The following is an entry in ClinVar:

ClinVar aggregate classification (germline): Uncertain significance (1 of 4 stars; one submission).

Allele frequency attached by ClinVar (database versions not stated): TOPMed below 0.00001; gnomAD 0.00001.
gnomAD v4.1: 3 of 1,613,998 alleles (0.00019%); highest among the groups gnomAD compares: African/African-American, 0.0027%; no homozygotes.

Submission:

Labcorp Genetics (formerly Invitae), Labcorp
Classification: Uncertain significance. Last evaluated: 2024-01-09. Review status: criteria provided, single submitter. Criteria: Invitae Variant Classification Sherloc (09022015). Collection method: clinical testing. Allele origin: germline.
Comment: This sequence change replaces isoleucine, which is neutral and non-polar, with valine, which is neutral and non-polar, at codon 64 of the GUCY2C protein (p.Ile64Val). This variant is present in population databases (no rsID available, gnomAD 0.0009%). This variant has not been reported in the literature in individuals affected with GUCY2C-related conditions. ClinVar contains an entry for this variant (Variation ID: 2185799). Advanced modeling of protein sequence and biophysical properties (such as structural, functional, and spatial information, amino acid conservation, physicochemical variation, residue mobility, and thermodynamic stability) performed at Invitae indicates that this missense variant is not expected to disrupt GUCY2C protein function with a negative predictive value of 80%. In summary, the available evidence is currently insufficient to determine the role of this variant in disease. Therefore, it has been classified as a Variant of Uncertain Significance.

NM_004963.4(GUCY2C):c.190A>G (p.Ile64Val)

Genes: GUCY2C (guanylate cyclase 2C; minus strand), GUCY2C-AS1 (GUCY2C antisense RNA 1; plus strand). Cytogenetic location: 12p12.3.
Variant type: single nucleotide variant.
Coding change: c.190A>G on transcript NM_004963.4 (MANE Select); coding-DNA position 190, A replaced by G.
Protein change: p.Ile64Val; replaces isoleucine 64 with valine.
Molecular consequence: missense variant.
Genome position (GRCh38, 1-based): chr12:14,696,259, T>C on the plus strand (A>G on the coding strand, the complement: GUCY2C is on the minus strand). VCF-style: chr12-14696259-T-C. GRCh37 (hg19) VCF-style: chr12-14849193-T-C.
Other names: short protein forms I64V.
Identifiers: ClinVar variation 2185799 (VCV002185799.4), dbSNP rs1265470405, ClinGen allele CA384008855.